The following is an entry in ClinVar:

ClinVar aggregate classification (germline): Uncertain significance. Review status: criteria provided, multiple submitters, no conflicts (2 of 4 stars). 2 submissions from 2 submitters: Uncertain significance (2). Last evaluated 2026-03-20.

Conditions:
Familial melanoma. Also called: Hereditary melanoma; Hereditary cutaneous melanoma. Identifiers: Orphanet 618, MedGen C1512419, MONDO:0018961.
Hereditary cancer-predisposing syndrome. Also called: Tumor predisposition; Neoplastic Syndromes, Hereditary; Hereditary Cancer Syndrome; Hereditary neoplastic syndrome. Identifiers: Orphanet 140162, MedGen C0027672, MeSH D009386, MONDO:0015356.

Submissions (2):

Ambry Genetics
Classification: Uncertain significance for Hereditary cancer-predisposing syndrome. Last evaluated: 2026-03-20. Review status: criteria provided, single submitter. Criteria: Ambry Variant Classification Scheme 2023. Collection method: clinical testing. Allele origin: germline.
Comment: The c.820-3C>T intronic variant results from a C to T substitution 3 nucleotides upstream from coding exon 7 in the CDK4 gene. This nucleotide position is not well conserved in available vertebrate species. In silico splice site analysis predicts that this alteration will not have any significant effect on splicing. Based on the available evidence, the clinical significance of this variant remains unclear.

Labcorp Genetics (formerly Invitae), Labcorp
Classification: Uncertain significance for Familial melanoma. Last evaluated: 2021-03-26. Review status: criteria provided, single submitter. Criteria: Invitae Variant Classification Sherloc (09022015). Collection method: clinical testing. Allele origin: germline.
Comment: This variant is not present in population databases (ExAC no frequency). This sequence change falls in intron 7 of the CDK4 gene. It does not directly change the encoded amino acid sequence of the CDK4 protein. It affects a nucleotide within the consensus splice site of the intron. This variant has not been reported in the literature in individuals with CDK4-related conditions. In summary, the available evidence is currently insufficient to determine the role of this variant in disease. Therefore, it has been classified as a Variant of Uncertain Significance. Nucleotide substitutions within the consensus splice site are a relatively common cause of aberrant splicing (PMID: 17576681, 9536098). Algorithms developed to predict the effect of sequence changes on RNA splicing suggest that this variant is not likely to affect RNA splicing, but this prediction has not been confirmed by published transcriptional studies.

Literature cited by the submitters: PubMed 17576681 (cited by Labcorp Genetics (formerly Invitae), Labcorp); PubMed 9536098 (cited by Labcorp Genetics (formerly Invitae), Labcorp).

NM_000075.4(CDK4):c.820-3C>T

Genes: CDK4 (cyclin dependent kinase 4; minus strand), MIR6759 (microRNA 6759; minus strand), TSPAN31 (tetraspanin 31; plus strand). Cytogenetic location: 12q14.1.
Variant type: single nucleotide variant.
Coding change: c.820-3C>T on transcript NM_000075.4 (MANE Select); 3 bases into the intron before coding-DNA position 820, C replaced by T.
Molecular consequence: intron variant. On other transcripts: non-coding transcript variant (1), 3 prime UTR variant (3).
Genome position (GRCh38, 1-based): chr12:57,748,620, G>A on the plus strand (C>T on the coding strand, the complement: CDK4 is on the minus strand). VCF-style: chr12-57748620-G-A. GRCh37 (hg19) VCF-style: chr12-58142403-G-A.
Other names: c.*1330G>A (NM_001330168.2, NM_001330169.2, NM_005981.5); c.820-3C>T (NM_000075.3).
Identifiers: ClinVar variation 1491623 (VCV001491623.7), dbSNP rs2140381305, ClinGen allele CA2573148885.